The following is an entry in ClinVar:

ClinVar aggregate classification (germline): Likely pathogenic (1 of 4 stars; one submission).

Submission:

GeneDx
Classification: Likely pathogenic. Last evaluated: 2024-04-25. Review status: criteria provided, single submitter. Criteria: GeneDx Variant Classification Process June 2021. Collection method: clinical testing. Allele origin: germline. Affected: yes.
Comment: Canonical splice site variant predicted to result in a null allele in a gene for which loss of function is a known mechanism of disease; Not observed at significant frequency in large population cohorts (gnomAD); Has not been previously published as pathogenic or benign to our knowledge

NM_017721.5(CC2D1A):c.1357-2A>G

Gene: CC2D1A (coiled-coil and C2 domain containing 1A; plus strand). Cytogenetic location: 19p13.12.
Variant type: single nucleotide variant.
Coding change: c.1357-2A>G on transcript NM_017721.5 (MANE Select); the canonical splice acceptor site of the intron before coding-DNA position 1357, A replaced by G.
Molecular consequence: splice acceptor variant.
Genome position (GRCh38, 1-based): chr19:13,920,555, A>G. VCF-style: chr19-13920555-A-G. GRCh37 (hg19) VCF-style: chr19-14031368-A-G.
Other names: c.1357-2A>G (NM_001411138.1).
Identifiers: ClinVar variation 3373069 (VCV003373069.1).
Genomic context (GRCh38, chr19:13,920,555, plus strand): 5'-TTGGGGACTGGACTCATCACAGGCGCTACGAAATCTCTAACATCCTCTCTCTTCCTCTAC[A>G]GCAGAACAGCCCTGTGGCCCCCACAGCCCAGCCCAAAGCCCCACCCTCAAGAACTCCCCA-3'